The following is an entry in ClinVar:

ClinVar aggregate classification (germline): Likely benign. Review status: criteria provided, multiple submitters, no conflicts (2 of 4 stars). 2 submissions from 2 submitters: Likely benign (2). Last evaluated 2025-09-01.

Conditions:
Glycogen storage disease, type VII (GSD7). Also called: GSD VII; MUSCLE PHOSPHOFRUCTOKINASE DEFICIENCY; PFKM DEFICIENCY; TARUI DISEASE. Identifiers: Orphanet 371, MedGen C0017926, MONDO:0009295, OMIM 232800.

Allele frequency attached by ClinVar (database versions not stated): TOPMed 0.00002.
gnomAD v4.1: 14 of 1,613,902 alleles (0.00087%); highest among the groups gnomAD compares: Non-Finnish European, 0.0012%; no homozygotes.

Submissions (2):

CeGaT Center for Human Genetics Tuebingen
Classification: Likely benign. Last evaluated: 2025-09-01. Review status: criteria provided, single submitter. Criteria: CeGaT Center For Human Genetics Tuebingen Variant Classification Criteria Version 2. Collection method: clinical testing. Allele origin: germline. Affected: yes. Observed: 2 variant alleles.
Comment: PFKM: BP4, BP7

Labcorp Genetics (formerly Invitae), Labcorp
Classification: Likely benign for Glycogen storage disease, type VII. Last evaluated: 2023-03-08. Review status: criteria provided, single submitter. Criteria: Invitae Variant Classification Sherloc (09022015). Collection method: clinical testing. Allele origin: germline.

NM_000289.6(PFKM):c.732T>C (p.Cys244=)

Gene: PFKM (phosphofructokinase, muscle; plus strand). Cytogenetic location: 12q13.11.
Variant type: single nucleotide variant.
Coding change: c.732T>C on transcript NM_000289.6 (MANE Select); coding-DNA position 732, T replaced by C.
Protein change: p.Cys244=; no amino-acid change (cysteine 244 retained).
Molecular consequence: synonymous variant. On other transcripts: non-coding transcript variant (6).
Genome position (GRCh38, 1-based): chr12:48,134,814, T>C. VCF-style: chr12-48134814-T-C. GRCh37 (hg19) VCF-style: chr12-48528597-T-C.
Other names: c.945T>C, p.Cys315= (NM_001166686.2, NM_001354737.1, NM_001354738.1 and 1 more transcripts); c.732T>C, p.Cys244= (NM_001166687.2, NM_001166688.2, NM_001354742.2 and 4 more transcripts); c.1041T>C, p.Cys347= (NM_001354735.1, NM_001354736.1); c.876T>C, p.Cys292= (NM_001354740.1); c.756T>C, p.Cys252= (NM_001354741.2); c.645T>C, p.Cys215= (NM_001354745.2); c.582T>C, p.Cys194= (NM_001354747.2, NM_001354748.2).
Identifiers: ClinVar variation 1593708 (VCV001593708.33), dbSNP rs1406800853, ClinGen allele CA479452120.